The following is an entry in ClinVar:

NM_182925.5(FLT4):c.584C>T (p.Thr195Met)

Gene: FLT4 (fms related receptor tyrosine kinase 4; minus strand). Cytogenetic location: 5q35.3.
Variant type: single nucleotide variant.
Coding change: c.584C>T on transcript NM_182925.5 (MANE Select); coding-DNA position 584, C replaced by T.
Protein change: p.Thr195Met; replaces threonine 195 with methionine.
Molecular consequence: missense variant.
Genome position (GRCh38, 1-based): chr5:180,630,035, G>A on the plus strand (C>T on the coding strand, the complement: FLT4 is on the minus strand). VCF-style: chr5-180630035-G-A. GRCh37 (hg19) VCF-style: chr5-180057035-G-A.
Other names: c.584C>T, p.Thr195Met (NM_001354989.2, NM_002020.5); short protein forms T195M.
Identifiers: ClinVar variation 5020216 (VCV005020216.1).

ClinVar aggregate classification (germline): Uncertain significance (1 of 4 stars; one submission).

gnomAD v4.1: 17 of 1,612,658 alleles (0.0011%); highest among the groups gnomAD compares: East Asian, 0.011%; no homozygotes.

Submission:

Dasa
Classification: Uncertain significance. Last evaluated: 2026-07-10. Review status: criteria provided, single submitter. Criteria: DASA Assertion Criteria. Collection method: clinical testing. Allele origin: germline.
Comment: NM_182925.5(FLT4):c.584C>T (p.Thr195Met) is a missense variant that results in the substitution of threonine with methionine. This variant is rare in population databases. Computational prediction algorithms are consistent with a benign effect. The currently available literature and clinical evidence are not sufficient to establish a definitive association between this variant and the reported condition. Therefore, this variant is classified as a variant of uncertain significance.